The following is an entry in ClinVar:

ClinVar aggregate classification (germline): Conflicting classifications of pathogenicity. Review status: criteria provided, conflicting classifications (1 of 4 stars). 3 submissions from 3 submitters: Pathogenic (1); Uncertain significance (1). 1 of the submissions does not count toward it. Last evaluated 2025-07-30.

Conditions:
Ichthyotic keratoderma, spasticity, hypomyelination, and dysmorphic facial features. Identifiers: MedGen C5193147, MONDO:0032798, OMIM 618527.

Submissions (3):

GeneDx
Classification: Uncertain significance. Last evaluated: 2025-07-30. Review status: criteria provided, single submitter. Criteria: GeneDx Variant Classification Process June 2021. Collection method: clinical testing. Allele origin: germline. Affected: yes.
Comment: Not observed at significant frequency in large population cohorts (gnomAD); In silico analysis supports that this missense variant has a deleterious effect on protein structure/function; This variant is associated with the following publications: (PMID: 34851365, 35379526, 29496980, 38693715, 30487246, 40590574, 34497816)

Labcorp Genetics (formerly Invitae), Labcorp
Classification: Pathogenic. Last evaluated: 2021-06-08. Review status: criteria provided, single submitter. Criteria: Invitae Variant Classification Sherloc (09022015). Collection method: clinical testing. Allele origin: germline.
Comment: This sequence change replaces serine with phenylalanine at codon 165 of the ELOVL1 protein (p.Ser165Phe). The serine residue is moderately conserved and there is a large physicochemical difference between serine and phenylalanine. This variant is not present in population databases (ExAC no frequency). This variant has been observed in individual(s) with ichthyotic keratoderma, spasticity, hypomyelination, and dysmorphic facial features (PMID: 29496980, 30487246). In at least one individual the variant was observed to be de novo. ClinVar contains an entry for this variant (Variation ID: 652597). Experimental studies have shown that this variant affects ELOVL1 protein function (PMID: 29496980). For these reasons, this variant has been classified as Pathogenic.

OMIM
Classification: Pathogenic for ICHTHYOTIC KERATODERMA, SPASTICITY, HYPOMYELINATION, AND DYSMORPHIC FACIAL FEATURES. Last evaluated: 2026-03-25. Review status: no assertion criteria provided. Collection method: literature only. Allele origin: germline. Not counted in ClinVar's aggregate classification.

Literature cited by the submitters: PubMed 29496980 (cited by Labcorp Genetics (formerly Invitae), Labcorp and OMIM); PubMed 30487246 (cited by Labcorp Genetics (formerly Invitae), Labcorp and OMIM).

NM_022821.4(ELOVL1):c.494C>T (p.Ser165Phe)

Gene: ELOVL1 (ELOVL fatty acid elongase 1; minus strand). Cytogenetic location: 1p34.2.
Variant type: single nucleotide variant.
Coding change: c.494C>T on transcript NM_022821.4 (MANE Select); coding-DNA position 494, C replaced by T.
Protein change: p.Ser165Phe; replaces serine 165 with phenylalanine.
Molecular consequence: missense variant. On other transcripts: non-coding transcript variant (1).
Genome position (GRCh38, 1-based): chr1:43,364,448, G>A on the plus strand (C>T on the coding strand, the complement: ELOVL1 is on the minus strand). VCF-style: chr1-43364448-G-A. GRCh37 (hg19) VCF-style: chr1-43830119-G-A.
Other names: c.494C>T, p.Ser165Phe (NM_001256399.2); c.413C>T, p.Ser138Phe (NM_001256401.2); c.251C>T, p.Ser84Phe (NM_001256402.2); short protein forms S165F, S138F, S84F.
Identifiers: ClinVar variation 652597 (VCV000652597.9), dbSNP rs1570486718, ClinGen allele CA340015330.
Genomic context (GRCh38, chr1:43,364,448, plus strand): 5'-GATAATCCGTAGTACAGGTACATTATGACATGCACGGAAGAGTTTATCATGGCATGGAAA[G>A]AGCCCATTCCTCCTGTGAGTGGACAATAAGACAGGGTCAGCAGAGTCCAGCCTCTGGTGC-3'
Protein context (NP_073732.1, residues 155-175): GVKIAPGGMG[Ser165Phe]FHAMINSSVH